The following is an entry in ClinVar:

ClinVar aggregate classification (germline): Conflicting classifications of pathogenicity. Review status: criteria provided, conflicting classifications (1 of 4 stars). 2 submissions from 2 submitters: Uncertain significance (1); Likely benign (1). Last evaluated 2025-08-30.

Allele frequency attached by ClinVar (database versions not stated): 1000 Genomes Project 0.00120; ESP Exome Variant Server 0.00127; 1000 Genomes Project 30x 0.00156; TOPMed 0.00192; gnomAD 0.00216.
gnomAD v4.1: 4,777 of 1,594,878 alleles (0.3%); highest among the groups gnomAD compares: Non-Finnish European, 0.35%; 11 homozygotes.

Submissions (2):

Ambry Genetics
Classification: Uncertain significance. Last evaluated: 2025-08-30. Review status: criteria provided, single submitter. Criteria: Ambry Variant Classification Scheme 2023. Collection method: clinical testing. Allele origin: germline.

CeGaT Center for Human Genetics Tuebingen
Classification: Likely benign. Last evaluated: 2023-02-01. Review status: criteria provided, single submitter. Criteria: CeGaT Center For Human Genetics Tuebingen Variant Classification Criteria Version 2. Collection method: clinical testing. Allele origin: germline. Affected: yes. Observed: 2 variant alleles.
Comment: ADAMTS7: BS2

NM_014272.5(ADAMTS7):c.377C>T (p.Pro126Leu)

Gene: ADAMTS7 (ADAM metallopeptidase with thrombospondin type 1 motif 7; minus strand). Cytogenetic location: 15q25.1.
Variant type: single nucleotide variant.
Coding change: c.377C>T on transcript NM_014272.5 (MANE Select); coding-DNA position 377, C replaced by T.
Protein change: p.Pro126Leu; replaces proline 126 with leucine.
Molecular consequence: missense variant.
Genome position (GRCh38, 1-based): chr15:78,800,271, G>A on the plus strand (C>T on the coding strand, the complement: ADAMTS7 is on the minus strand). VCF-style: chr15-78800271-G-A. GRCh37 (hg19) VCF-style: chr15-79092613-G-A.
Other names: c.377C>T (NM_014272.3); short protein forms P126L.
Identifiers: ClinVar variation 2645623 (VCV002645623.25), dbSNP rs61754850, ClinGen allele CA7686999.